The following is an entry in ClinVar:

NM_002474.3(MYH11):c.5356G>A (p.Ala1786Thr)

Genes: NDE1 (nudE neurodevelopment protein 1; plus strand), MYH11 (myosin heavy chain 11; minus strand). Cytogenetic location: 16p13.11.
Variant type: single nucleotide variant.
Coding change: c.5356G>A on transcript NM_002474.3 (MANE Select); coding-DNA position 5356, G replaced by A.
Protein change: p.Ala1786Thr; replaces alanine 1786 with threonine.
Molecular consequence: missense variant. On other transcripts: intron variant (2).
Genome position (GRCh38, 1-based): chr16:15,717,288, C>T on the plus strand (G>A on the coding strand, the complement: MYH11 is on the minus strand). VCF-style: chr16-15717288-C-T. GRCh37 (hg19) VCF-style: chr16-15811145-C-T.
Other names: c.5377G>A, p.Ala1793Thr (NM_001040113.2, NM_001040114.2); c.5356G>A, p.Ala1786Thr (NM_022844.3); c.948-6903C>T (NM_001143979.2, NM_017668.3); short protein forms A1793T, A1786T.
Identifiers: ClinVar variation 923811 (VCV000923811.13), dbSNP rs779452783, ClinGen allele CA7921294.
Genomic context (GRCh38, chr16:15,717,288, plus strand): 5'-CCTCCATCTCGTGGAGCTTGCTCCGGAGCTCCTTGTTCTGCCGCTCGAGCTGCTGCCGGG[C>T]ACTCTCATTCTTCTGGGCCGTGCTGCGCTCTGTGGCCAGCTCGTTGCTGAGCTGCTCGGC-3'
Protein context (NP_002465.1, residues 1776-1796): ERSTAQKNES[Ala1786Thr]RQQLERQNKE

ClinVar aggregate classification (germline): Uncertain significance. Review status: criteria provided, multiple submitters, no conflicts (2 of 4 stars). 4 submissions from 4 submitters: Uncertain significance (4). Last evaluated 2024-04-16.

Conditions:
Aortic aneurysm, familial thoracic 4 (AAT4). Also called: AORTIC ANEURYSM/AORTIC DISSECTION AND PATENT DUCTUS ARTERIOSUS. Identifiers: MedGen C1851504, MONDO:0007568, OMIM 132900.
Familial thoracic aortic aneurysm and aortic dissection (TAAD). Also called: Thoracic aortic aneurysms and dissections. Identifiers: Orphanet 91387, MedGen C4707243, MONDO:0019625.

Allele frequency attached by ClinVar (database versions not stated): gnomAD exomes below 0.00001 and 0.00001; ExAC 0.00001.
gnomAD v4.1: 4 of 1,613,462 alleles (0.00025%); highest among the groups gnomAD compares: East Asian, 0.0089%; no homozygotes.

Submissions (4):

All of Us Research Program, National Institutes of Health
Classification: Uncertain significance for Familial thoracic aortic aneurysm and aortic dissection. Last evaluated: 2024-04-16. Review status: criteria provided, single submitter. Criteria: ACMG Guidelines, 2015. Collection method: clinical testing. Allele origin: germline. Inheritance: Autosomal dominant inheritance. Observed: 1 variant allele, 1 heterozygote.
Comment: This missense variant replaces alanine with threonine at codon 1793 of the MYH11 protein. Computational prediction tool suggests that this variant may not impact protein structure and function (internally defined REVEL score threshold <=0.5, PMID: 27666373). Splice site prediction tools suggest that this variant may not impact RNA splicing. To our knowledge, functional studies have not been performed for this variant. This variant has not been reported in individuals affected with cardiovascular disorders in the literature. This variant has been identified in 2/250604 chromosomes in the general population by the Genome Aggregation Database (gnomAD). The available evidence is insufficient to determine the role of this variant in disease conclusively. Therefore, this variant is classified as a Variant of Uncertain Significance.

This study involves interpretation of variants in research participants for the purpose of population health screening. Participant phenotype was not available at the time of variant classification. Additional details can be found in publication PMID: 35346344, PMCID: PMC8962531

Color Diagnostics, LLC DBA Color Health
Classification: Uncertain significance for Familial thoracic aortic aneurysm and aortic dissection. Last evaluated: 2024-03-06. Review status: criteria provided, single submitter. Criteria: ACMG Guidelines, 2015. Collection method: clinical testing. Allele origin: germline.
Comment: This missense variant replaces alanine with threonine at codon 1793 of the MYH11 protein. Computational prediction tool suggests that this variant may not impact protein structure and function (internally defined REVEL score threshold <=0.5, PMID: 27666373). Splice site prediction tools suggest that this variant may not impact RNA splicing. To our knowledge, functional studies have not been performed for this variant. This variant has not been reported in individuals affected with cardiovascular disorders in the literature. This variant has been identified in 2/250604 chromosomes in the general population by the Genome Aggregation Database (gnomAD). The available evidence is insufficient to determine the role of this variant in disease conclusively. Therefore, this variant is classified as a Variant of Uncertain Significance.

Ambry Genetics
Classification: Uncertain significance for Familial thoracic aortic aneurysm and aortic dissection. Last evaluated: 2024-01-31. Review status: criteria provided, single submitter. Criteria: Ambry Variant Classification Scheme 2023. Collection method: clinical testing. Allele origin: germline.

Labcorp Genetics (formerly Invitae), Labcorp
Classification: Uncertain significance for Aortic aneurysm, familial thoracic 4. Last evaluated: 2019-07-30. Review status: criteria provided, single submitter. Criteria: Invitae Variant Classification Sherloc (09022015). Collection method: clinical testing. Allele origin: germline.
Comment: Algorithms developed to predict the effect of missense changes on protein structure and function are either unavailable or do not agree on the potential impact of this missense change (SIFT: "Deleterious"; PolyPhen-2: "Possibly Damaging"; Align-GVGD: "Class C0"). This variant has not been reported in the literature in individuals with MYH11-related conditions. The frequency data for this variant in the population databases is considered unreliable, as metrics indicate poor data quality at this position in the ExAC database. This sequence change replaces alanine with threonine at codon 1793 of the MYH11 protein (p.Ala1793Thr). The alanine residue is highly conserved and there is a small physicochemical difference between alanine and threonine. In summary, the available evidence is currently insufficient to determine the role of this variant in disease. Therefore, it has been classified as a Variant of Uncertain Significance.